The following is an entry in ClinVar:

NM_004523.4(KIF11):c.658A>G (p.Lys220Glu)

Gene: KIF11 (kinesin family member 11; plus strand). Cytogenetic location: 10q23.33.
Variant type: single nucleotide variant.
Coding change: c.658A>G on transcript NM_004523.4 (MANE Select); coding-DNA position 658, A replaced by G.
Protein change: p.Lys220Glu; replaces lysine 220 with glutamic acid.
Molecular consequence: missense variant.
Genome position (GRCh38, 1-based): chr10:92,609,469, A>G. VCF-style: chr10-92609469-A-G. GRCh37 (hg19) VCF-style: chr10-94369226-A-G.
Other names: short protein forms K220E.
Identifiers: ClinVar variation 4882476 (VCV004882476.2).

ClinVar aggregate classification (germline): Uncertain significance (1 of 4 stars; one submission).

Submission:

Dasa
Classification: Uncertain significance. Last evaluated: 2025-04-29. Review status: criteria provided, single submitter. Criteria: DASA Assertion Criteria. Collection method: clinical testing. Allele origin: germline.
Comment: NM_004523.4(KIF11):c.658A>G (p.Lys220Glu) is a missense variant that results in the substitution of lysine with glutamic acid. This variant is absent from population databases. The currently available literature and clinical evidence are not sufficient to establish a definitive association between this variant and the reported condition. Therefore, this variant is classified as a variant of uncertain significance.